The following is an entry in ClinVar:

NM_201384.3(PLEC):c.5011C>A (p.Arg1671Ser)

Gene: PLEC (plectin; minus strand). Cytogenetic location: 8q24.3.
Variant type: single nucleotide variant.
Coding change: c.5011C>A on transcript NM_201384.3 (MANE Select); coding-DNA position 5011, C replaced by A.
Protein change: p.Arg1671Ser; replaces arginine 1671 with serine.
Molecular consequence: missense variant.
Genome position (GRCh38, 1-based): chr8:143,924,918, G>T on the plus strand (C>A on the coding strand, the complement: PLEC is on the minus strand). VCF-style: chr8-143924918-G-T. GRCh37 (hg19) VCF-style: chr8-144999086-G-T.
Other names: c.5092C>A, p.Arg1698Ser (NM_000445.5); c.4969C>A, p.Arg1657Ser (NM_201378.4); c.4945C>A, p.Arg1649Ser (NM_201379.3); c.5422C>A, p.Arg1808Ser (NM_201380.4); c.4915C>A, p.Arg1639Ser (NM_201381.3); c.5011C>A, p.Arg1671Ser (NM_201382.4); c.5023C>A, p.Arg1675Ser (NM_201383.3); short protein forms R1639S, R1698S, R1808S, R1649S, R1657S, R1671S, R1675S.
Identifiers: ClinVar variation 1402075 (VCV001402075.8), dbSNP rs782189427, ClinGen allele CA187616361.

ClinVar aggregate classification (germline): Uncertain significance (1 of 4 stars; one submission).

Conditions:
Epidermolysis bullosa simplex 5C, with pyloric atresia (EBS5C). Also called: Epidermolysis bullosa simplex with pyloric atresia; PLEC-Related Epidermolysis Bullosa with Pyloric Atresia; PLEC1-Related Epidermolysis Bullosa with Pyloric Atresia. Identifiers: Orphanet 158684, MedGen C2677349, MONDO:0012807, OMIM 612138.
Epidermolysis bullosa simplex with nail dystrophy (EBS5D). Identifiers: MedGen C4225309, MONDO:0014661, OMIM 616487.
Epidermolysis bullosa simplex 5B, with muscular dystrophy (EBS5B). Also called: Epidermolysis bullosa simplex with muscular dystrophy; EPIDERMOLYSIS BULLOSA SIMPLEX AND LIMB-GIRDLE MUSCULAR DYSTROPHY. Identifiers: Orphanet 257, MedGen C2931072, MONDO:0009181, OMIM 226670.
Autosomal recessive limb-girdle muscular dystrophy type 2Q (LGMDR17). Also called: MUSCULAR DYSTROPHY, LIMB-GIRDLE, AUTOSOMAL RECESSIVE 17. Identifiers: Orphanet 254361, MedGen C3150989, MONDO:0013390, OMIM 613723.
Epidermolysis bullosa simplex, Ogna type (EBS5A). Also called: Pidermolysis bullosa simplex 5A, Ogna type; EPIDERMOLYSIS BULLOSA SIMPLEX 5A, OGNA TYPE. Identifiers: Orphanet 79401, MedGen C0432317, MONDO:0007555, OMIM 131950.

gnomAD v4.1: 8 of 1,584,958 alleles (0.0005%); highest among the groups gnomAD compares: Non-Finnish European, 0.00068%; no homozygotes.

Submission:

Labcorp Genetics (formerly Invitae), Labcorp
Classification: Uncertain significance for Autosomal recessive limb-girdle muscular dystrophy type 2Q; Epidermolysis bullosa simplex, Ogna type; Epidermolysis bullosa simplex with nail dystrophy; Epidermolysis bullosa simplex 5C, with pyloric atresia; Epidermolysis bullosa simplex 5B, with muscular dystrophy. Last evaluated: 2022-10-05. Review status: criteria provided, single submitter. Criteria: Invitae Variant Classification Sherloc (09022015). Collection method: clinical testing. Allele origin: germline.
Comment: This sequence change replaces arginine, which is basic and polar, with serine, which is neutral and polar, at codon 1698 of the PLEC protein (p.Arg1698Ser). In summary, the available evidence is currently insufficient to determine the role of this variant in disease. Therefore, it has been classified as a Variant of Uncertain Significance. Algorithms developed to predict the effect of missense changes on protein structure and function are either unavailable or do not agree on the potential impact of this missense change (SIFT: "Deleterious"; PolyPhen-2: "Not Available"; Align-GVGD: "Class C15"). ClinVar contains an entry for this variant (Variation ID: 1402075). This variant has not been reported in the literature in individuals affected with PLEC-related conditions. This variant is not present in population databases (gnomAD no frequency).